The following is an entry in ClinVar:

ClinVar aggregate classification (germline): Uncertain significance (1 of 4 stars; one submission).

Conditions:
Bethlem myopathy 1A. Also called: MYOPATHY, BENIGN CONGENITAL, WITH CONTRACTURES; Bethlem myopathy 1; Bethlem Muscular Dystrophy. Identifiers: Orphanet 610, MedGen CN029274, MONDO:0024530, OMIM 158810.

Submission:

Labcorp Genetics (formerly Invitae), Labcorp
Classification: Uncertain significance for Bethlem myopathy 1A. Last evaluated: 2025-02-19. Review status: criteria provided, single submitter. Criteria: Invitae Variant Classification Sherloc (09022015). Collection method: clinical testing. Allele origin: germline.
Comment: This sequence change creates a premature translational stop signal (p.Ser839Glnfs*8) in the COL6A1 gene. While this is not anticipated to result in nonsense mediated decay, it is expected to disrupt the last 190 amino acid(s) of the COL6A1 protein. This variant is not present in population databases (gnomAD no frequency). This variant has not been reported in the literature in individuals affected with COL6A1-related conditions. This variant disrupts a region of the COL6A1 protein in which other variant(s) (p.Leu941Alafs*34) have been observed in individuals with COL6A1-related conditions (PMID: 33250842). This suggests that this is a clinically significant region of the protein, and that variants that disrupt it are likely to be disease-causing. In summary, the available evidence is currently insufficient to determine the role of this variant in disease. Therefore, it has been classified as a Variant of Uncertain Significance.

Literature cited by the submitters: PubMed 33250842.

NM_001848.3(COL6A1):c.2514dup (p.Ser839fs)

Gene: COL6A1 (collagen type VI alpha 1 chain; plus strand). Cytogenetic location: 21q22.3.
Variant type: Duplication.
Coding change: c.2514dup on transcript NM_001848.3 (MANE Select); coding-DNA position 2514, one base duplicated (C; older notation c.2514dupC).
Protein change: p.Ser839fs; shifts the reading frame from serine 839.
Molecular consequence: frameshift variant.
Genome position (GRCh38, 1-based): chr21:46,003,440, C duplicated; the last of 2 consecutive C bases (chr21:46,003,439-46,003,440); duplicating either gives the same sequence. VCF-style (leftmost placement, unchanged base first): chr21-46003438-G-GC. GRCh37 (hg19) VCF-style: chr21-47423352-G-GC.
Other names: short protein forms S839fs.
Identifiers: ClinVar variation 4713426 (VCV004713426.1).
Genomic context (GRCh38, chr21:46,003,438, plus strand): 5'-CCCCGCCCCGCAGTCACGTTCTCCTCCCCGGCTGACATCACCATCCTGCTGGACGGCTCC[G>GC]CCAGCGTGGGCAGCCACAACTTTGACACCACCAAGCGCTTCGCCAAGCGCCTGGCCGAGC-3'